The following is an entry in ClinVar:

NM_004526.4(MCM2):c.470_475del (p.Ala157_Thr158del)

Gene: MCM2 (minichromosome maintenance complex component 2; plus strand). Cytogenetic location: 3q21.3.
Variant type: Deletion.
Coding change: c.470_475del on transcript NM_004526.4 (MANE Select); coding-DNA positions 470 to 475, 6 bases deleted (CCACGG; older notation c.470_475delCCACGG).
Protein change: p.Ala157_Thr158del.
Molecular consequence: inframe deletion. On other transcripts: non-coding transcript variant (1).
Genome position (GRCh38, 1-based): chr3:127,604,953-127,604,958, CCACGG deleted; deleting any 6 consecutive bases within chr3:127,604,951-127,604,958 gives the same sequence; the c. name uses the placement nearest the transcript's 3' end. VCF-style (leftmost placement, unchanged base first): chr3-127604950-GGGCCAC-G. GRCh37 (hg19) VCF-style: chr3-127323793-GGGCCAC-G.
Other names: c.470_475del6 (NM_004526.3).
Identifiers: ClinVar variation 2917231 (VCV002917231.4), dbSNP rs777642816, ClinGen allele CA2595596.
Genomic context (GRCh38, chr3:127,604,950, plus strand): 5'-CCCCAGACAGCGATGAGGAGGACGAGGAGCGCCCTGCCCGCAAGCGCCGCCAGGTGGAGC[GGGCCAC>G]GGAGGACGGCGAGGAGGACGAGGAGATGATCGAGAGCATCGAGAACCTGGAGGATCTCAA-3'

ClinVar aggregate classification (germline): Uncertain significance. Review status: criteria provided, multiple submitters, no conflicts (2 of 4 stars). 2 submissions from 2 submitters: Uncertain significance (2). Last evaluated 2025-12-23.

Conditions:
MCM2-related disorder. Also called: MCM2-related condition.

Submissions (2):

Labcorp Genetics (formerly Invitae), Labcorp
Classification: Uncertain significance. Last evaluated: 2025-12-23. Review status: criteria provided, single submitter. Criteria: Invitae Variant Classification Sherloc (09022015). Collection method: clinical testing. Allele origin: germline.
Comment: This variant, c.470_475del, results in the deletion of 2 amino acid(s) of the MCM2 protein (p.Ala157_Thr158del), but otherwise preserves the integrity of the reading frame. This variant is present in population databases (rs777642816, gnomAD 0.03%). This variant has not been reported in the literature in individuals affected with MCM2-related conditions. ClinVar contains an entry for this variant (Variation ID: 2917231). Experimental studies and prediction algorithms are not available or were not evaluated, and the functional significance of this variant is currently unknown. In summary, the available evidence is currently insufficient to determine the role of this variant in disease. Therefore, it has been classified as a Variant of Uncertain Significance.

PreventionGenetics, part of Exact Sciences
Classification: Uncertain significance for MCM2-related condition. Last evaluated: 2025-01-13. Review status: criteria provided, single submitter. Criteria: ACMG Guidelines, 2015. Collection method: clinical testing. Allele origin: germline.
Comment: The MCM2 c.470_475del6 variant is predicted to result in an in-frame deletion (p.Ala157_Thr158del). To our knowledge, this variant has not been reported in the literature. This variant is reported in 0.029% of alleles in individuals of South Asian descent in gnomAD. Although we suspect that this variant may be benign, at this time, the clinical significance of this variant is uncertain due to the absence of conclusive functional and genetic evidence.